The following is an entry in ClinVar:

ClinVar aggregate classification (germline): Pathogenic/Likely pathogenic. Review status: criteria provided, multiple submitters, no conflicts (2 of 4 stars). 11 submissions from 11 submitters: Pathogenic (9); Likely pathogenic (1). 1 of the submissions does not count toward it. Last evaluated 2026-10-11.

Conditions:
COL7A1-related disorder. Also called: COL7A1- related disorders; COL7A1-related condition.
Nonsyndromic congenital nail disorder 8. Also called: TOENAIL DYSTROPHY, ISOLATED. Identifiers: MedGen C1843761, MONDO:0011852, OMIM 607523.
Generalized dominant dystrophic epidermolysis bullosa (DDEB). Also called: Dominant DEB (DDEB); DDEB, generalized; DDEB-gen; DYSTROPHIC EPIDERMOLYSIS BULLOSA, AUTOSOMAL DOMINANT; Epidermolysis bullosa dystrophica, autosomal dominant. Identifiers: Orphanet 231568, MedGen C0432322, MONDO:0007549, OMIM 131750.
Pretibial dystrophic epidermolysis bullosa. Also called: EPIDERMOLYSIS BULLOSA DYSTROPHICA, PRETIBIAL; Pretibial epidermolysis bullosa; Pretibial blistering. Identifiers: Orphanet 79410, MedGen C0432321, MONDO:0007552, OMIM 131850, HP:0012221.
Dominant dystrophic epidermolysis bullosa with absence of skin. Also called: EPIDERMOLYSIS BULLOSA WITH CONGENITAL LOCALIZED ABSENCE OF SKIN AND DEFORMITY OF NAILS; EPIDERMOLYSIS BULLOSA DYSTROPHICA, BART TYPE. Identifiers: MedGen C0268371, MONDO:0007557, OMIM 132000.
Recessive dystrophic epidermolysis bullosa (RDEB). Also called: Epidermolysis Bullosa Distrophica Autosomal Recessive (RDEB); EPIDERMOLYSIS BULLOSA DYSTROPHICA, GENERALIZED SEVERE, AUTOSOMAL RECESSIVE; severe generalized recessive dystrophic epidermolysis bullosa; Recessive DEB (RDEB); Hallopeau-Siemens Disease; epidermolysis bullosa dystrophica, autosomal recessive. Identifiers: Orphanet 79408, Orphanet 79409, MedGen C0079474, MONDO:0009179, OMIM 226600.
Epidermolysis bullosa pruriginosa. Also called: DEB, PRURIGINOSA; DYSTROPHIC EPIDERMOLYSIS BULLOSA PRURIGINOSA. Identifiers: Orphanet 89843, MedGen C1275114, MONDO:0011398, OMIM 604129.
Transient bullous dermolysis of the newborn (TBDN). Also called: EPIDERMOLYSIS BULLOSA DYSTROPHICA, NEONATAL FORM; DYSTROPHIC EPIDERMOLYSIS BULLOSA, NEONATAL. Identifiers: Orphanet 79411, MedGen C1851573, MONDO:0007548, OMIM 131705.
Epidermolysis bullosa dystrophica, autosomal recessive, localisata variant. Identifiers: MedGen C2673611.
Epidermolysis bullosa dystrophica. Also called: Dystrophic epidermolysis bullosa; Dystrophic epidermolysis bullosa, Hallopeau-Siemens type (formerly). Identifiers: Orphanet 303, MedGen C0079294, MONDO:0006543.

Allele frequency attached by ClinVar (database versions not stated): ExAC 0.00010; gnomAD 0.00010; gnomAD exomes 0.00009 and 0.00011; TOPMed 0.00013.
gnomAD v4.1: 181 of 1,613,548 alleles (0.011%); highest among the groups gnomAD compares: Admixed American, 0.018%; no homozygotes.

Submissions (12):

GeneDx
Classification: Pathogenic. Last evaluated: 2026-10-11. Review status: criteria provided, single submitter. Criteria: GeneDx Variant Classification Process June 2021. Collection method: clinical testing. Allele origin: germline.
Comment: RNA studies demonstrate that the variant reduces the quality of the splice donor site in intron 70, causing abnormal gene splicing and exon skipping of exon 70 in approximately 40% of transcripts (PMID: 9804332); This variant is associated with the following publications: (PMID: 33969388, 35979658, 9804332, 21448560, 12485454, 31589614, 34426522, 31001817, 31930626, 33274474, Caushaj_2024_Article, 35150601, 38820176)

Labcorp Genetics (formerly Invitae), Labcorp
Classification: Pathogenic. Last evaluated: 2026-01-09. Review status: criteria provided, single submitter. Criteria: Invitae Variant Classification Sherloc (09022015). Collection method: clinical testing. Allele origin: germline.
Comment: This sequence change affects codon 1940 of the COL7A1 mRNA. It is a 'silent' change, meaning that it does not change the encoded amino acid sequence of the COL7A1 protein. RNA analysis indicates that this variant induces altered splicing and likely results in a shortened protein product. This variant is present in population databases (rs200972872, gnomAD 0.02%). This variant has been observed in individuals with autosomal recessive dystrophic epidermolysis bullosa (PMID: 9804332, 31001817, 31930626). It has also been observed to segregate with disease in related individuals. ClinVar contains an entry for this variant (Variation ID: 431810). Variants that disrupt the consensus splice site are a relatively common cause of aberrant splicing (PMID: 17576681, 9536098). Studies have shown that this variant results in skipping of exon 70, but is expected to preserve the integrity of the reading-frame (PMID: 9804332). This variant disrupts the triple helix domain of COL7A1. Glycine residues within the Gly-Xaa-Yaa repeats of the triple helix domain are required for the structure and stability of fibrillar collagens (PMID: 7695699, 8218237, 19344236), and variants at these glycine residues in COL7A1 are more frequently observed in individuals with disease than in the general population (PMID: 22058051). However, the clinical significance of this observation remains uncertain since only a limited number of affected individuals have been described to date. For these reasons, this variant has been classified as Pathogenic.

Natera, Inc.
Classification: Pathogenic for Dystrophic epidermolysis bullosa. Last evaluated: 2025-11-13. Review status: criteria provided, single submitter. Criteria: Natera Variant Classification Schema (03/2026). Collection method: clinical testing. Allele origin: germline.
Comment: The c.5820G>A variant in COL7A1 is a synonymous variant that does not alter the encoded amino acid at position 1940 (p.P1940=). This variant is rare in the general population with a frequency below the threshold expected for the associated phenotype(s). This variant has been observed in one or more individuals affected with the associated recessive disease, as either homozygous or compound heterozygous with a second variant (PMID: 9804332, 33274474, 31930626, 38820176). Additionally, this variant has been observed to segregate in affected family members (PMID: 9804332). Functional studies show that this variant may disrupt protein function (PMID: 9804332, 33969388). Computational prediction algorithms indicate this variant is likely to affect gene or protein function. Given the available evidence, this variant is classified as Pathogenic.

PreventionGenetics, part of Exact Sciences
Classification: Pathogenic for COL7A1-related condition. Last evaluated: 2025-11-08. Review status: criteria provided, single submitter. Criteria: ACMG Guidelines, 2015. Collection method: clinical testing. Allele origin: germline.
Comment: The COL7A1 c.5820G>A variant is not predicted to result in an amino acid change (p.=). This variant has been reported, in the compound heterozygous state or in the heterozygous state along with a second potentially causative variant, in several individuals with localized recessive dystrophic epidermolysis bullosa (RDEB) and this variant segregated with disease in one family (see, for example, Terracina et al. 1998. PubMed ID: 9804332; Table S6, Rossi. 2020. PubMed ID: 33274474; Table S2, Natale et al. 2022. PubMed ID: 35979658). It has also been reported in the homozygous state in an individual with a dual diagnosis of RDEB and acrodermatitis enteropathica (Vahidnezhad et al. 2020. PubMed ID: 31930626). RNA studies indicate this variant leads to skipping of exon 70 (Terracina et al. 1998. PubMed ID: 9804332; Vahidnezhad et al. 2020. PubMed ID: 31930626). This variant is reported in 0.017% of alleles in individuals of European (non-Finnish) descent in gnomAD. This variant is interpreted as pathogenic.

Genomic Medicine Center of Excellence, King Faisal Specialist Hospital and Research Centre
Classification: Pathogenic for Recessive dystrophic epidermolysis bullosa. Last evaluated: 2025-09-10. Review status: criteria provided, single submitter. Criteria: ACMG Guidelines, 2015. Collection method: clinical testing. Allele origin: germline.

Blueprint Genetics
Classification: Pathogenic for COL7A1-related disorders. Last evaluated: 2024-11-06. Review status: criteria provided, single submitter. Criteria: ACMG Guidelines, 2015. Collection method: clinical testing. Allele origin: germline. Affected: yes. Observed: 5 variant alleles.

Women's Health and Genetics/Laboratory Corporation of America, LabCorp
Classification: Pathogenic for COL7A1-Related Disorders. Last evaluated: 2023-12-13. Review status: criteria provided, single submitter. Criteria: LabCorp Variant Classification Summary - May 2015. Collection method: clinical testing. Allele origin: germline.
Comment: Variant summary: COL7A1 c.5820G>A (p.Pro1940Pro) results in a synonymous change to the encoded protein sequence and also alters the last nucleotide of Exon 71 and therefore could affect mRNA splicing, leading to a significantly altered protein sequence. Several computational tools predict a significant impact on normal splicing: two predict the variant abolishes a 5' splicing donor site, and two predict the variant weakens the same 5' donor site. At least two publications report experimental evidence that this variant affects mRNA splicing, leading to both exon skipping and intron retention (e.g., Terracina_1998, Vahidnezhad_2020). The variant allele was found at a frequency of 8.8e-05 in 250822 control chromosomes (gnomAD). The available data on variant occurrences in the general population are insufficient to allow any conclusion about variant significance. c.5820G>A has been reported in the literature in both homozygous and compound heterozygous individuals affected with Dystrophic Epidermolysis Bullosa, Recessive (e.g., Terracina_1998, Gardella_2002, Vahidnezhad_2020). These data indicate that the variant is very likely to be associated with disease. At least one publication reports experimental evidence evaluating the impact of the variant, finding markedly reduced COL7A1 transcript levels in a whole-skin biopsy from a homozgyous patient (e.g., Vahidnezhad_2020). The following publications have been ascertained in the context of this evaluation (PMID: 12485454, 9804332, 31930626). Seven submitters have reported clinical-significance assessments for this variant to ClinVar after 2014 with conflicting interpretations (pathogenic, n = 5; likely pathogenic, n = 1; VUS, n = 1). Based on the evidence outlined above, the variant was classified as pathogenic.

Center for Research in Genodermatoses and Epidermolysis Bullosa, University of Buenos Aires
Classification: Pathogenic for Recessive dystrophic epidermolysis bullosa. Last evaluated: 2022-03-14. Review status: criteria provided, single submitter. Criteria: ACMG Guidelines, 2015. Collection method: clinical testing. Allele origin: paternal. Affected: yes. Observed: 1 variant allele, 1 compound heterozygote.

Biomedical Innovation Departament, CIEMAT
Classification: Pathogenic for Dystrophic epidermolysis bullosa. Last evaluated: 2018-11-26. Review status: criteria provided, single submitter. Criteria: ACMG Guidelines, 2015. Collection method: research. Allele origin: germline. Affected: yes. Observed: 4 variant alleles.

Fulgent Genetics
Classification: Likely pathogenic for Transient bullous dermolysis of the newborn; Generalized dominant dystrophic epidermolysis bullosa; Pretibial dystrophic epidermolysis bullosa; Dominant dystrophic epidermolysis bullosa with absence of skin; Recessive dystrophic epidermolysis bullosa; Epidermolysis bullosa pruriginosa; Nonsyndromic congenital nail disorder 8. Last evaluated: 2018-10-31. Review status: criteria provided, single submitter. Criteria: ACMG Guidelines, 2015. Collection method: clinical testing. Allele origin: unknown.

OMIM
Classification: Pathogenic for EPIDERMOLYSIS BULLOSA DYSTROPHICA, AUTOSOMAL RECESSIVE, LOCALISATA VARIANT. Last evaluated: 1998-11-01. Review status: no assertion criteria provided. Collection method: literature only. Allele origin: germline. Not counted in ClinVar's aggregate classification.

Dr. Peter K. Rogan Lab, Western University
No classification provided (evidence only). Condition: Familial cancer of breast. Review status: no classification provided. Collection method: in vitro. Allele origin: not applicable. Functional consequence: retained intron. Not counted in ClinVar's aggregate classification.

Literature cited by the submitters: PubMed 9804332 (cited by 6 submitters); PubMed 31001817 (cited by Labcorp Genetics (formerly Invitae), Labcorp); PubMed 31930626 (cited by 3 submitters); PubMed 17576681 (cited by Labcorp Genetics (formerly Invitae), Labcorp); PubMed 9536098 (cited by Labcorp Genetics (formerly Invitae), Labcorp); PubMed 7695699 (cited by Labcorp Genetics (formerly Invitae), Labcorp); PubMed 8218237 (cited by Labcorp Genetics (formerly Invitae), Labcorp); PubMed 19344236 (cited by Labcorp Genetics (formerly Invitae), Labcorp); PubMed 22058051 (cited by Labcorp Genetics (formerly Invitae), Labcorp); PubMed 33274474 (cited by Natera, Inc.); PubMed 38820176 (cited by Natera, Inc.); PubMed 33969388 (cited by Natera, Inc.); PubMed 12485454 (cited by Women's Health and Genetics/Laboratory Corporation of America, LabCorp); PubMed 35979658 (cited by Center for Research in Genodermatoses and Epidermolysis Bullosa, University of Buenos Aires).

NM_000094.4(COL7A1):c.5820G>A (p.Pro1940=)

Gene: COL7A1 (collagen type VII alpha 1 chain; minus strand). Cytogenetic location: 3p21.31.
Variant type: single nucleotide variant.
Coding change: c.5820G>A on transcript NM_000094.4 (MANE Select); coding-DNA position 5820, G replaced by A.
Protein change: p.Pro1940=; no amino-acid change (proline 1940 retained).
Molecular consequence: synonymous variant.
Genome position (GRCh38, 1-based): chr3:48,576,249, C>T on the plus strand (G>A on the coding strand, the complement: COL7A1 is on the minus strand). VCF-style: chr3-48576249-C-T. GRCh37 (hg19) VCF-style: chr3-48613682-C-T.
Other names: 5820G-A.
Identifiers: ClinVar variation 431810 (VCV000431810.49), dbSNP rs200972872, ClinGen allele CA2379312.